The following is an entry in ClinVar:

NM_023110.3(FGFR1):c.1790C>G (p.Ser597Cys)

Gene: FGFR1 (fibroblast growth factor receptor 1; minus strand). Cytogenetic location: 8p11.23.
Variant type: single nucleotide variant.
Coding change: c.1790C>G on transcript NM_023110.3 (MANE Select); coding-DNA position 1790, C replaced by G.
Protein change: p.Ser597Cys; replaces serine 597 with cysteine.
Molecular consequence: missense variant.
Genome position (GRCh38, 1-based): chr8:38,415,934, G>C on the plus strand (C>G on the coding strand, the complement: FGFR1 is on the minus strand). VCF-style: chr8-38415934-G-C. GRCh37 (hg19) VCF-style: chr8-38273452-G-C.
Other names: c.1784C>G, p.Ser595Cys (NM_001174063.2, NM_001174065.2, NM_001354367.2 and 1 more transcripts); c.1760C>G, p.Ser587Cys (NM_001174064.2); c.1523C>G, p.Ser508Cys (NM_001174066.2, NM_023105.3); c.1883C>G, p.Ser628Cys (NM_001174067.2); c.1511C>G, p.Ser504Cys (NM_001354368.2); c.1778C>G, p.Ser593Cys (NM_001354369.2, NM_001410922.1); c.1517C>G, p.Ser506Cys (NM_001354370.2, NM_023106.3); short protein forms S587C, S628C, S506C, S593C, S597C, S508C, S504C, S595C.
Identifiers: ClinVar variation 4782789 (VCV004782789.1).

ClinVar aggregate classification (germline): Uncertain significance (1 of 4 stars; one submission).

Conditions:
Hypogonadotropic hypogonadism 2 with or without anosmia (HH2). Also called: HYPOGONADOTROPIC HYPOGONADISM 2 WITHOUT ANOSMIA; HYPOGONADOTROPIC HYPOGONADISM 2 WITH OR WITHOUT ANOSMIA, SUSCEPTIBILITY TO; HYPOGONADOTROPIC HYPOGONADISM 2 WITHOUT ANOSMIA, SUSCEPTIBILITY TO; FGFR1-Related GnRH Deficiency (Kallmann Syndrome 2). Identifiers: Orphanet 478, MedGen C1563720, MONDO:0007844, OMIM 147950. Disease mechanism: loss of function.
Pfeiffer syndrome (ACS5). Also called: ACS V. Identifiers: Orphanet 710, MedGen C0220658, MONDO:0007043, OMIM 101600.

Submission:

Labcorp Genetics (formerly Invitae), Labcorp
Classification: Uncertain significance for Pfeiffer syndrome; Hypogonadotropic hypogonadism 2 with or without anosmia. Last evaluated: 2025-04-22. Review status: criteria provided, single submitter. Criteria: Invitae Variant Classification Sherloc (09022015). Collection method: clinical testing. Allele origin: germline.
Comment: This sequence change replaces serine, which is neutral and polar, with cysteine, which is neutral and slightly polar, at codon 597 of the FGFR1 protein (p.Ser597Cys). This variant is not present in population databases (gnomAD no frequency). This variant has not been reported in the literature in individuals affected with FGFR1-related conditions. Invitae Evidence Modeling of protein sequence and biophysical properties (such as structural, functional, and spatial information, amino acid conservation, physicochemical variation, residue mobility, and thermodynamic stability) indicates that this missense variant is not expected to disrupt FGFR1 protein function with a negative predictive value of 80%. In summary, the available evidence is currently insufficient to determine the role of this variant in disease. Therefore, it has been classified as a Variant of Uncertain Significance.